The following is an entry in ClinVar:

ClinVar aggregate classification (germline): Uncertain significance (1 of 4 stars; one submission).

Conditions:
Warts, hypogammaglobulinemia, infections, and myelokathexis. Also called: WHIM syndrome. Identifiers: MedGen C0472817, MONDO:0023880.

Submission:

Labcorp Genetics (formerly Invitae), Labcorp
Classification: Uncertain significance for Warts, hypogammaglobulinemia, infections, and myelokathexis. Last evaluated: 2021-08-31. Review status: criteria provided, single submitter. Criteria: Invitae Variant Classification Sherloc (09022015). Collection method: clinical testing. Allele origin: germline.
Comment: This sequence change replaces histidine with tyrosine at codon 79 of the CXCR4 protein (p.His79Tyr). The histidine residue is highly conserved and there is a moderate physicochemical difference between histidine and tyrosine. In summary, the available evidence is currently insufficient to determine the role of this variant in disease. Therefore, it has been classified as a Variant of Uncertain Significance. Algorithms developed to predict the effect of sequence changes on RNA splicing suggest that this variant may create or strengthen a splice site. Algorithms developed to predict the effect of missense changes on protein structure and function (SIFT, PolyPhen-2, Align-GVGD) all suggest that this variant is likely to be disruptive. This variant has not been reported in the literature in individuals affected with CXCR4-related conditions. This variant is not present in population databases (ExAC no frequency).

NM_003467.3(CXCR4):c.235C>T (p.His79Tyr)

Gene: CXCR4 (C-X-C motif chemokine receptor 4; minus strand). Cytogenetic location: 2q22.1.
Variant type: single nucleotide variant.
Coding change: c.235C>T on transcript NM_003467.3 (MANE Select); coding-DNA position 235, C replaced by T.
Protein change: p.His79Tyr; replaces histidine 79 with tyrosine.
Molecular consequence: missense variant.
Genome position (GRCh38, 1-based): chr2:136,115,693, G>A on the plus strand (C>T on the coding strand, the complement: CXCR4 is on the minus strand). VCF-style: chr2-136115693-G-A. GRCh37 (hg19) VCF-style: chr2-136873263-G-A.
Other names: c.247C>T, p.His83Tyr (NM_001008540.2); c.448C>T, p.His150Tyr (NM_001348056.2); c.334C>T, p.His112Tyr (NM_001348059.2); c.190C>T, p.His64Tyr (NM_001348060.2); short protein forms H112Y, H150Y, H64Y, H83Y, H79Y.
Identifiers: ClinVar variation 1516467 (VCV001516467.6), dbSNP rs2104918076, ClinGen allele CA348659828.
Genomic context (GRCh38, chr2:136,115,693, plus strand): 5'-CGGCATCAACTGCCCAGAAGGGAAGCGTGATGACAAAGAGGAGGTCGGCCACTGACAGGT[G>A]CAGCCTGTACTTGTCCGTCATGCTTCTCAGTTTCTTCTGGTAACCCATGACCAGGATGAC-3'
Protein context (NP_003458.1, residues 69-89): LRSMTDKYRL[His79Tyr]LSVADLLFVI